The following is an entry in ClinVar:

NM_001735.3(C5):c.3677G>A (p.Arg1226His)

Gene: C5 (complement C5; minus strand). Cytogenetic location: 9q33.2.
Variant type: single nucleotide variant.
Coding change: c.3677G>A on transcript NM_001735.3 (MANE Select); coding-DNA position 3677, G replaced by A.
Protein change: p.Arg1226His; replaces arginine 1226 with histidine.
Molecular consequence: missense variant.
Genome position (GRCh38, 1-based): chr9:120,976,887, C>T on the plus strand (G>A on the coding strand, the complement: C5 is on the minus strand). VCF-style: chr9-120976887-C-T. GRCh37 (hg19) VCF-style: chr9-123739165-C-T.
Other names: c.3695G>A, p.Arg1232His (NM_001317163.2); c.3677G>A (NM_001735.2); short protein forms R1226H, R1232H.
Identifiers: ClinVar variation 1371447 (VCV001371447.6), dbSNP rs756426099, ClinGen allele CA5217408.

ClinVar aggregate classification (germline): Uncertain significance. Review status: criteria provided, multiple submitters, no conflicts (2 of 4 stars). 3 submissions from 3 submitters: Uncertain significance (3). Last evaluated 2025-05-25.

Conditions:
C5-related disorder. Also called: C5-related condition.

Allele frequency attached by ClinVar (database versions not stated): gnomAD 0.00001; gnomAD exomes 0.00002 and 0.00006; TOPMed 0.00003; ExAC 0.00002.
gnomAD v4.1: 85 of 1,613,706 alleles (0.0053%); highest among the groups gnomAD compares: Non-Finnish European, 0.0067%; no homozygotes.

Submissions (3):

Ambry Genetics
Classification: Uncertain significance. Last evaluated: 2025-05-25. Review status: criteria provided, single submitter. Criteria: Ambry Variant Classification Scheme 2023. Collection method: clinical testing. Allele origin: germline.

Labcorp Genetics (formerly Invitae), Labcorp
Classification: Uncertain significance. Last evaluated: 2024-10-14. Review status: criteria provided, single submitter. Criteria: Invitae Variant Classification Sherloc (09022015). Collection method: clinical testing. Allele origin: germline.
Comment: This sequence change replaces arginine, which is basic and polar, with histidine, which is basic and polar, at codon 1226 of the C5 protein (p.Arg1226His). This variant is present in population databases (rs756426099, gnomAD 0.003%). This variant has not been reported in the literature in individuals affected with C5-related conditions. ClinVar contains an entry for this variant (Variation ID: 1371447). Invitae Evidence Modeling of protein sequence and biophysical properties (such as structural, functional, and spatial information, amino acid conservation, physicochemical variation, residue mobility, and thermodynamic stability) has been performed for this missense variant. However, the output from this modeling did not meet the statistical confidence thresholds required to predict the impact of this variant on C5 protein function. In summary, the available evidence is currently insufficient to determine the role of this variant in disease. Therefore, it has been classified as a Variant of Uncertain Significance.

PreventionGenetics, part of Exact Sciences
Classification: Uncertain significance for C5-related condition. Last evaluated: 2023-05-10. Review status: criteria provided, single submitter. Criteria: ACMG Guidelines, 2015. Collection method: clinical testing. Allele origin: germline.
Comment: The C5 c.3677G>A variant is predicted to result in the amino acid substitution p.Arg1226His. To our knowledge, this variant has not been reported in the literature. This variant is reported in 0.0039% of alleles in individuals of European (Non-Finnish) descent in gnomAD. At this time, the clinical significance of this variant is uncertain due to the absence of conclusive functional and genetic evidence.